The following is an entry in ClinVar:

NM_016592.5(GNAS):c.54C>T (p.Asn18=)

Genes: GNAS (GNAS complex locus; plus strand), GNAS-AS1 (GNAS antisense RNA 1; minus strand). Cytogenetic location: 20q13.32.
Variant type: single nucleotide variant.
Coding change: c.54C>T on transcript NM_016592.5 (MANE Plus Clinical); coding-DNA position 54, C replaced by T.
Protein change: p.Asn18=; no amino-acid change (asparagine 18 retained).
Molecular consequence: synonymous variant. On other transcripts: 5 prime UTR variant (1).
Genome position (GRCh38, 1-based): chr20:58,840,160, C>T. VCF-style: chr20-58840160-C-T. GRCh37 (hg19) VCF-style: chr20-57415215-C-T.
Other names: c.-684C>T (NM_001410912.1).
Identifiers: ClinVar variation 5001654 (VCV005001654.1).
Genomic context (GRCh38, chr20:58,840,160, plus strand): 5'-TAAGAGGATGGATCGGAGGTCCCGGGCTCAGCAGTGGCGCCGAGCTCGCCATAATTACAA[C>T]GACCTGTGCCCGCCCATAGGCCGCCGGGCAGCCACCGCGCTCCTCTGGCTCTCCTGCTCC-3'
Protein context (NP_057676.1, residues 8-28): QQWRRARHNY[Asn18=]DLCPPIGRRA

ClinVar aggregate classification (germline): Likely benign (1 of 4 stars; one submission).

Conditions:
GNAS-related disorder. Identifiers: MedGen CN380105.

gnomAD v4.1: 1 of 1,611,748 alleles (0.000062%); highest among the groups gnomAD compares: Non-Finnish European, 0.000085%; no homozygotes.

Submission:

PreventionGenetics, part of Exact Sciences
Classification: Likely benign for GNAS-related condition. Last evaluated: 2025-03-30. Review status: criteria provided, single submitter. Criteria: ACMG Guidelines, 2015. Collection method: clinical testing. Allele origin: germline.
Comment: This variant is classified as likely benign based on ACMG/AMP sequence variant interpretation guidelines (Richards et al. 2015 PMID: 25741868, with internal and published modifications).